The following is an entry in ClinVar:

NM_203486.3(DLL3):c.518C>G (p.Ser173Trp)

Genes: DLL3 (delta like canonical Notch ligand 3; plus strand), LOC130064417 (ATAC-STARR-seq lymphoblastoid silent region 10608; plus strand). Cytogenetic location: 19q13.2.
Variant type: single nucleotide variant.
Coding change: c.518C>G on transcript NM_203486.3 (MANE Select); coding-DNA position 518, C replaced by G.
Protein change: p.Ser173Trp; replaces serine 173 with tryptophan.
Molecular consequence: missense variant.
Genome position (GRCh38, 1-based): chr19:39,502,923, C>G. VCF-style: chr19-39502923-C-G. GRCh37 (hg19) VCF-style: chr19-39993563-C-G.
Other names: c.518C>G, p.Ser173Trp (NM_016941.4); c.518C>G (NM_016941.3); short protein forms S173W.
Identifiers: ClinVar variation 1514655 (VCV001514655.6), dbSNP rs760217365, ClinGen allele CA9432207.

ClinVar aggregate classification (germline): Uncertain significance. Review status: criteria provided, multiple submitters, no conflicts (2 of 4 stars). 2 submissions from 2 submitters: Uncertain significance (2). Last evaluated 2025-05-26.

Conditions:
Inborn genetic diseases. Identifiers: MedGen C0950123, MeSH D030342.

Allele frequency attached by ClinVar (database versions not stated): gnomAD exomes 0.00005; ExAC 0.00026.

Submissions (2):

Ambry Genetics
Classification: Uncertain significance for Inborn genetic diseases. Last evaluated: 2025-05-26. Review status: criteria provided, single submitter. Criteria: Ambry Variant Classification Scheme 2023. Collection method: clinical testing. Allele origin: germline.

Labcorp Genetics (formerly Invitae), Labcorp
Classification: Uncertain significance. Last evaluated: 2021-09-01. Review status: criteria provided, single submitter. Criteria: Invitae Variant Classification Sherloc (09022015). Collection method: clinical testing. Allele origin: germline.
Comment: This sequence change replaces serine with tryptophan at codon 173 of the DLL3 protein (p.Ser173Trp). The serine residue is highly conserved and there is a large physicochemical difference between serine and tryptophan. While this variant is present in population databases (rs760217365), the frequency information is unreliable, as metrics indicate poor data quality at this position in the ExAC database. This variant has not been reported in the literature in individuals affected with DLL3-related conditions. Algorithms developed to predict the effect of missense changes on protein structure and function are either unavailable or do not agree on the potential impact of this missense change (SIFT: "Deleterious"; PolyPhen-2: "Probably Damaging"; Align-GVGD: "Class C0"). In summary, the available evidence is currently insufficient to determine the role of this variant in disease. Therefore, it has been classified as a Variant of Uncertain Significance.